The following is an entry in ClinVar:

ClinVar aggregate classification (germline): Uncertain significance (1 of 4 stars; one submission).

Conditions:
Tuberous sclerosis 2 (TSC2). Identifiers: Orphanet 805, MedGen C1860707, MONDO:0013199, OMIM 613254.

Allele frequency attached by ClinVar (database versions not stated): gnomAD exomes below 0.00001.
gnomAD v4.1: 1 of 1,613,648 alleles (0.000062%); highest among the groups gnomAD compares: Non-Finnish European, 0.000085%; no homozygotes.

Submission:

Labcorp Genetics (formerly Invitae), Labcorp
Classification: Uncertain significance for Tuberous sclerosis 2. Last evaluated: 2023-03-22. Review status: criteria provided, single submitter. Criteria: Invitae Variant Classification Sherloc (09022015). Collection method: clinical testing. Allele origin: germline.
Comment: This variant has not been reported in the literature in individuals affected with TSC2-related conditions. In summary, the available evidence is currently insufficient to determine the role of this variant in disease. Therefore, it has been classified as a Variant of Uncertain Significance. Advanced modeling of protein sequence and biophysical properties (such as structural, functional, and spatial information, amino acid conservation, physicochemical variation, residue mobility, and thermodynamic stability) performed at Invitae indicates that this missense variant is not expected to disrupt TSC2 protein function. This variant is not present in population databases (gnomAD no frequency). This sequence change replaces alanine, which is neutral and non-polar, with serine, which is neutral and polar, at codon 765 of the TSC2 protein (p.Ala765Ser).

NM_000548.5(TSC2):c.2293G>T (p.Ala765Ser)

Gene: TSC2 (TSC complex subunit 2; plus strand). Cytogenetic location: 16p13.3.
Variant type: single nucleotide variant.
Coding change: c.2293G>T on transcript NM_000548.5 (MANE Select); coding-DNA position 2293, G replaced by T.
Protein change: p.Ala765Ser; replaces alanine 765 with serine.
Molecular consequence: missense variant. On other transcripts: non-coding transcript variant (5).
Genome position (GRCh38, 1-based): chr16:2,072,921, G>T. VCF-style: chr16-2072921-G-T. GRCh37 (hg19) VCF-style: chr16-2122922-G-T.
Other names: c.2293G>T, p.Ala765Ser (NM_001077183.3, NM_001114382.3, NM_001363528.2 and 6 more transcripts); c.2182G>T, p.Ala728Ser (NM_001318827.2, NM_001406670.1, NM_001406678.1); c.2146G>T, p.Ala716Ser (NM_001318829.2, NM_001406675.1, NM_001406676.1 and 1 more transcripts); c.1693G>T, p.Ala565Ser (NM_001318831.2, NM_001406685.1, NM_001406686.1 and 6 more transcripts); c.2326G>T, p.Ala776Ser (NM_001318832.2); c.2383G>T, p.Ala795Ser (NM_001406667.1, NM_001406668.1); c.2281G>T, p.Ala761Ser (NM_001406671.1, NM_001406673.1); c.949G>T, p.Ala317Ser (NM_001406689.1, NM_001406690.1, NM_001406691.1 and 6 more transcripts); and 3 more; short protein forms A795S, A231S, A716S, A761S, A565S, A611S, A776S, A317S.
Identifiers: ClinVar variation 2848376 (VCV002848376.3), dbSNP rs2151327662, ClinGen allele CA394276596.
Genomic context (GRCh38, chr16:2,072,921, plus strand): 5'-AAGACACTGGAGCGGCTCCGAGGCGCCCCAGAAGGCTTCTCCAGAACTGACTTGCACCTG[G>T]CCGTGGTTCCAGTGCTGACAGCATTAATCTCTTACCATAACTACCTGGACAAAACCAAAC-3'
Protein context (NP_000539.2, residues 755-775): EGFSRTDLHL[Ala765Ser]VVPVLTALIS